The following is an entry in ClinVar:

NM_001302769.2(PARD3B):c.1755G>T (p.Gln585His)

Gene: PARD3B (par-3 family cell polarity regulator beta; plus strand). Cytogenetic location: 2q33.3.
Variant type: single nucleotide variant.
Coding change: c.1755G>T on transcript NM_001302769.2 (MANE Select); coding-DNA position 1755, G replaced by T.
Protein change: p.Gln585His; replaces glutamine 585 with histidine.
Molecular consequence: missense variant.
Genome position (GRCh38, 1-based): chr2:205,172,345, G>T. VCF-style: chr2-205172345-G-T. GRCh37 (hg19) VCF-style: chr2-206037069-G-T.
Other names: c.1755G>T, p.Gln585His (NM_057177.7, NM_205863.4); c.1569G>T, p.Gln523His (NM_152526.6); short protein forms Q585H, Q523H.
Identifiers: ClinVar variation 4992057 (VCV004992057.1).

ClinVar aggregate classification (germline): Uncertain significance (1 of 4 stars; one submission).

Conditions:
PARD3B-related disorder. Also called: PARD3B-related condition.

gnomAD v4.1: 2 of 1,614,116 alleles (0.00012%); highest among the groups gnomAD compares: East Asian, 0.0022%; no homozygotes.

Submission:

PreventionGenetics, part of Exact Sciences
Classification: Uncertain significance for PARD3B-related condition. Last evaluated: 2026-06-05. Review status: criteria provided, single submitter. Criteria: ACMG Guidelines, 2015. Collection method: clinical testing. Allele origin: germline.
Comment: The PARD3B c.1755G>T variant is predicted to result in the amino acid substitution p.Gln585His. To our knowledge, this variant has not been reported in the literature or in a large population database (gnomAD), indicating this variant is rare. At this time, the clinical significance of this variant is uncertain due to the absence of conclusive functional and genetic evidence.